The following is an entry in ClinVar:

ClinVar aggregate classification (germline): Likely pathogenic (1 of 4 stars; one submission).

Conditions:
Aortic valve disease 1 (AOVD1). Identifiers: MedGen C3887892, MONDO:0024523, OMIM 109730.
Adams-Oliver syndrome 5 (AOS5). Identifiers: Orphanet 974, MedGen C4014970, MONDO:0014459, OMIM 616028.

Submission:

Molecular Genetics Department, Kulakov National Medical Research Center for Obstetrics, Gynecology and Perinatology
Classification: Likely pathogenic for Aortic valve disease 1; Adams-Oliver syndrome 5. Review status: criteria provided, single submitter. Criteria: ACMG Guidelines, 2015. Collection method: clinical testing. Allele origin: germline. Affected: yes. Observed: 1 variant allele.
Comment: A previously undescribed heterozygous nucleotide variant creates a frameshift p.Met2318HisfsTer36 in the NOTCH1 gene. Heterozygous variants, including those that disrupt the synthesis of the full-length protein, are reported in patients with Adams-Oliver syndrome 5, 616028; Aortic valve disease 1, 109730; Another variant in PEST domain (which also includes the described variant [Cravero et al., 2022, PMID: 35186194]) have been reported in patient with Abernethy malformation type 2 [Boerkoel et al., 2023, PMID: 36866832]. The variant is not present in population database (gnomAD no frequency). In summary, the currently available evidence indicates that the variant is pathogenic, but additional data are needed to prove that conclusively. Therefore, this variant has been classified as likely pathogenic.

Literature cited by the submitters: PubMed 35186194; PubMed 36866832.

NM_017617.5(NOTCH1):c.6951dup (p.Met2318fs)

Gene: NOTCH1 (notch receptor 1; minus strand). Cytogenetic location: 9q34.3.
Variant type: Duplication.
Coding change: c.6951dup on transcript NM_017617.5 (MANE Select); coding-DNA position 6951, one base duplicated (C; older notation c.6951dupC).
Protein change: p.Met2318fs; shifts the reading frame from methionine 2318.
Molecular consequence: frameshift variant.
Genome position (GRCh38, 1-based): chr9:136,496,788, G duplicated on the plus strand (C on the coding strand, the reverse complement: NOTCH1 is on the minus strand). VCF-style (leftmost placement, unchanged base first): chr9-136496787-T-TG. GRCh37 (hg19) VCF-style: chr9-139391239-T-TG.
Other names: short protein forms M2318fs.
Identifiers: ClinVar variation 4294459 (VCV004294459.1).